The following is an entry in ClinVar:

ClinVar aggregate classification (germline): Likely benign (1 of 4 stars; one submission).

Allele frequency attached by ClinVar (database versions not stated): 1000 Genomes Project 0.00040; gnomAD exomes 0.00177; gnomAD 0.00229 and 0.00245; 1000 Genomes Project 30x 0.00031; TOPMed 0.00074.

Submission:

GeneDx
Classification: Likely benign. Last evaluated: 2018-06-19. Review status: criteria provided, single submitter. Criteria: GeneDx Variant Classification (06012015). Collection method: clinical testing. Allele origin: germline. Affected: yes.
Comment: This variant is considered likely benign or benign based on one or more of the following criteria: it is a conservative change, it occurs at a poorly conserved position in the protein, it is predicted to be benign by multiple in silico algorithms, and/or has population frequency not consistent with disease.

NM_001972.2(ELANE):c.-162C>T

Gene: ELANE (elastase, neutrophil expressed; plus strand). Cytogenetic location: 19p13.3.
Variant type: single nucleotide variant.
Coding change: c.-162C>T on transcript NM_001972.2; 162 bases upstream of the start codon, C replaced by T.
Genome position (GRCh38, 1-based): chr19:852,167, C>T. VCF-style: chr19-852167-C-T. GRCh37 (hg19) VCF-style: chr19-852167-C-T.
Identifiers: ClinVar variation 678420 (VCV000678420.3), dbSNP rs556325692, ClinGen allele CA303941976.
Genomic context (GRCh38, chr19:852,167, plus strand): 5'-TTGAATGCGATTGTGCATCCTGAATTTTGTCTGGAGGCCCCACCCGAGCCAATCCAGCGT[C>T]TTGTCCCCCTTCTCCCCCTTTTCATCAACGCCCTGTGCCAGGGGAGAGGAAGTGGAGGGC-3'